The following is an entry in ClinVar:

ClinVar aggregate classification (germline): Benign (0 of 4 stars; one submission).

Conditions:
CGNL1-related disorder. Also called: CGNL1-related condition.

Allele frequency attached by ClinVar (database versions not stated): TOPMed 0.00214; 1000 Genomes Project 30x 0.00219; 1000 Genomes Project 0.00220; gnomAD 0.00239; ESP Exome Variant Server 0.00308; gnomAD exomes 0.00331; ExAC 0.00412.

Submissions (4):

PreventionGenetics, part of Exact Sciences
Classification: Benign for CGNL1-related condition. Last evaluated: 2019-05-23. Review status: no assertion criteria provided. Collection method: clinical testing. Allele origin: germline.
Comment: This variant is classified as benign based on ACMG/AMP sequence variant interpretation guidelines (Richards et al. 2015 PMID: 25741868, with internal and published modifications).

Dr. Peter K. Rogan Lab, Western University
No classification provided (evidence only). Condition: Lung cancer. Review status: no classification provided. Collection method: in vitro. Allele origin: not applicable. Functional consequence: retained intron. Not counted in ClinVar's aggregate classification.

Dr. Peter K. Rogan Lab, Western University
No classification provided (evidence only). Condition: Familial cancer of breast. Review status: no classification provided. Collection method: in vitro. Allele origin: not applicable. Functional consequence: skipped exon. Not counted in ClinVar's aggregate classification.

Dr. Peter K. Rogan Lab, Western University
No classification provided (evidence only). Condition: Hepatocellular carcinoma. Review status: no classification provided. Collection method: in vitro. Allele origin: not applicable. Functional consequence: skipped exon, retained intron. Not counted in ClinVar's aggregate classification.

NM_032866.5(CGNL1):c.3049A>G (p.Met1017Val)

Gene: CGNL1 (cingulin like 1; plus strand). Cytogenetic location: 15q21.3.
Variant type: single nucleotide variant.
Coding change: c.3049A>G on transcript NM_032866.5 (MANE Select); coding-DNA position 3049, A replaced by G.
Protein change: p.Met1017Val; replaces methionine 1017 with valine.
Molecular consequence: missense variant.
Genome position (GRCh38, 1-based): chr15:57,528,663, A>G. VCF-style: chr15-57528663-A-G. GRCh37 (hg19) VCF-style: chr15-57820861-A-G.
Other names: NC_000015.9:g.57820861A>G; c.3049A>G, p.Met1017Val (NM_001252335.2); short protein forms M1017V.
Identifiers: ClinVar variation 3038849 (VCV003038849.3), dbSNP rs143875419, ClinGen allele CA7582391.